The following is an entry in ClinVar:

ClinVar aggregate classification (germline): Uncertain significance (1 of 4 stars; one submission).

Conditions:
Hereditary sensory and autonomic neuropathy type 6. Also called: Neuropathy, hereditary sensory and autonomic, type VI; HSAN VI. Identifiers: Orphanet 314381, MedGen C3539003, MONDO:0013839, OMIM 614653.
Epidermolysis bullosa simplex 3, localized or generalized intermediate, with BP230 deficiency (EBS3). Also called: Epidermolysis bullosa simplex due to BP230 deficiency; Epidermolysis bullosa simplex, autosomal recessive 2. Identifiers: Orphanet 412181, MedGen C3809470, MONDO:0014180, OMIM 615425.

Allele frequency attached by ClinVar (database versions not stated): TOPMed below 0.00001; gnomAD 0.00001.
gnomAD v4.1: 8 of 1,613,966 alleles (0.0005%); highest among the groups gnomAD compares: Non-Finnish European, 0.00068%; no homozygotes.

Submission:

Labcorp Genetics (formerly Invitae), Labcorp
Classification: Uncertain significance for Epidermolysis bullosa simplex 3, localized or generalized intermediate, with BP230 deficiency; Hereditary sensory and autonomic neuropathy type 6. Last evaluated: 2023-12-30. Review status: criteria provided, single submitter. Criteria: Invitae Variant Classification Sherloc (09022015). Collection method: clinical testing. Allele origin: germline.
Comment: This sequence change replaces threonine, which is neutral and polar, with isoleucine, which is neutral and non-polar, at codon 23 of the DST protein (p.Thr23Ile). This variant is present in population databases (no rsID available, gnomAD 0.002%). This variant has not been reported in the literature in individuals affected with DST-related conditions. An algorithm developed to predict the effect of missense changes on protein structure and function (PolyPhen-2) suggests that this variant is likely to be disruptive. In summary, the available evidence is currently insufficient to determine the role of this variant in disease. Therefore, it has been classified as a Variant of Uncertain Significance.

NM_001723.7(DST):c.68C>T (p.Thr23Ile)

Gene: DST (dystonin; minus strand). Cytogenetic location: 6p12.1.
Variant type: single nucleotide variant.
Coding change: c.68C>T on transcript NM_001723.7 (MANE Plus Clinical); coding-DNA position 68, C replaced by T.
Protein change: p.Thr23Ile; replaces threonine 23 with isoleucine.
Molecular consequence: missense variant. On other transcripts: intron variant (9).
Genome position (GRCh38, 1-based): chr6:56,642,721, G>A on the plus strand (C>T on the coding strand, the complement: DST is on the minus strand). VCF-style: chr6-56642721-G-A. GRCh37 (hg19) VCF-style: chr6-56507519-G-A.
Other names: c.68C>T, p.Thr23Ile (NM_015548.5); c.1680-218C>T (NM_001144769.5); c.1779-218C>T (NM_001374722.1, NM_001374736.1); c.1806-218C>T (NM_001374734.1); c.1266-218C>T (NM_001144770.2); c.1146-218C>T (NM_001374730.1, NM_001386100.1, NM_183380.4 and 1 more transcripts); short protein forms T23I.
Identifiers: ClinVar variation 2923064 (VCV002923064.1), dbSNP rs1218426431, ClinGen allele CA364615614.